The following is an entry in ClinVar:

ClinVar aggregate classification (germline): Uncertain significance (1 of 4 stars; one submission).

gnomAD v4.1: 16 of 1,613,048 alleles (0.00099%); highest among the groups gnomAD compares: African/African-American, 0.011%; no homozygotes.

Submission:

Labcorp Genetics (formerly Invitae), Labcorp
Classification: Uncertain significance. Last evaluated: 2024-09-04. Review status: criteria provided, single submitter. Criteria: Invitae Variant Classification Sherloc (09022015). Collection method: clinical testing. Allele origin: germline.
Comment: This sequence change replaces valine, which is neutral and non-polar, with methionine, which is neutral and non-polar, at codon 3280 of the FRAS1 protein (p.Val3280Met). This variant is present in population databases (rs112969442, gnomAD 0.01%). This variant has not been reported in the literature in individuals affected with FRAS1-related conditions. Invitae Evidence Modeling of protein sequence and biophysical properties (such as structural, functional, and spatial information, amino acid conservation, physicochemical variation, residue mobility, and thermodynamic stability) has been performed for this missense variant. However, the output from this modeling did not meet the statistical confidence thresholds required to predict the impact of this variant on FRAS1 protein function. In summary, the available evidence is currently insufficient to determine the role of this variant in disease. Therefore, it has been classified as a Variant of Uncertain Significance.

NM_025074.7(FRAS1):c.9838G>A (p.Val3280Met)

Gene: FRAS1 (Fraser extracellular matrix complex subunit 1; plus strand). Cytogenetic location: 4q21.21.
Variant type: single nucleotide variant.
Coding change: c.9838G>A on transcript NM_025074.7 (MANE Select); coding-DNA position 9838, G replaced by A.
Protein change: p.Val3280Met; replaces valine 3280 with methionine.
Molecular consequence: missense variant.
Genome position (GRCh38, 1-based): chr4:78,511,331, G>A. VCF-style: chr4-78511331-G-A. GRCh37 (hg19) VCF-style: chr4-79432485-G-A.
Other names: short protein forms V3280M.
Identifiers: ClinVar variation 3605544 (VCV003605544.2).
Genomic context (GRCh38, chr4:78,511,331, plus strand): 5'-TAGGTCCTGGACAGCATTTACTTCAGCCGGAGGTTCCATGTGCGTTGTGTGGCCAAGGCT[G>A]TGGACAAGGTGGGCCATGTGGGGACCCCCTTAAGGAGCAACATTGTTACCATTGGAACAG-3'
Protein context (NP_079350.5, residues 3270-3290): RFHVRCVAKA[Val3280Met]DKVGHVGTPL